The following is an entry in ClinVar:

NM_006662.3(SRCAP):c.914T>C (p.Val305Ala)

Gene: SRCAP (Snf2 related CREBBP activator protein; plus strand). Cytogenetic location: 16p11.2.
Variant type: single nucleotide variant.
Coding change: c.914T>C on transcript NM_006662.3 (MANE Select); coding-DNA position 914, T replaced by C.
Protein change: p.Val305Ala; replaces valine 305 with alanine.
Molecular consequence: missense variant.
Genome position (GRCh38, 1-based): chr16:30,709,908, T>C. VCF-style: chr16-30709908-T-C. GRCh37 (hg19) VCF-style: chr16-30721229-T-C.
Other names: short protein forms V305A.
Identifiers: ClinVar variation 3580064 (VCV003580064.2).
Genomic context (GRCh38, chr16:30,709,908, plus strand): 5'-TAGATGGGGACTTTCAACCCCAAGAGGATGAGGAAGAGGATGATGAGGAAACGATTGAAG[T>C]TGAAGAACAACAGGAAGGCAATGATGCAGAGGCCCAGAGGCGTGAGATTGAGCTGCTTCG-3'
Protein context (NP_006653.2, residues 295-315): EEEDDEETIE[Val305Ala]EEQQEGNDAE

ClinVar aggregate classification (germline): Uncertain significance. Review status: criteria provided, multiple submitters, no conflicts (2 of 4 stars). 2 submissions from 2 submitters: Uncertain significance (2). Last evaluated 2025-10-26.

Conditions:
Developmental delay, hypotonia, musculoskeletal defects, and behavioral abnormalities. Identifiers: MedGen C5562012, MONDO:0859202, OMIM 619595.
Floating-Harbor syndrome (FLHS). Also called: SRCAP-Related Floating-Harbor Syndrome; Short stature with delayed bone age, expressive language delay, a triangular face with a prominent nose and deep-set eyes; Pelletier-Leisti syndrome. Identifiers: Orphanet 2044, MedGen C0729582, MONDO:0007621, OMIM 136140.

gnomAD v4.1: 2 of 1,614,110 alleles (0.00012%); highest among the groups gnomAD compares: Admixed American, 0.0033%; no homozygotes.

Submissions (2):

Labcorp Genetics (formerly Invitae), Labcorp
Classification: Uncertain significance. Last evaluated: 2025-10-26. Review status: criteria provided, single submitter. Criteria: Invitae Variant Classification Sherloc (09022015). Collection method: clinical testing. Allele origin: germline.
Comment: This sequence change replaces valine, which is neutral and non-polar, with alanine, which is neutral and non-polar, at codon 305 of the SRCAP protein (p.Val305Ala). This variant is present in population databases (rs750800300, gnomAD 0.006%). This variant has not been reported in the literature in individuals affected with SRCAP-related conditions. ClinVar contains an entry for this variant (Variation ID: 3580064). Invitae Evidence Modeling of protein sequence and biophysical properties (such as structural, functional, and spatial information, amino acid conservation, physicochemical variation, residue mobility, and thermodynamic stability) indicates that this missense variant is not expected to disrupt SRCAP protein function with a negative predictive value of 80%. In summary, the available evidence is currently insufficient to determine the role of this variant in disease. Therefore, it has been classified as a Variant of Uncertain Significance.

Fulgent Genetics
Classification: Uncertain significance for Floating-Harbor syndrome; Developmental delay, hypotonia, musculoskeletal defects, and behavioral abnormalities. Last evaluated: 2024-01-02. Review status: criteria provided, single submitter. Criteria: ACMG Guidelines, 2015. Collection method: clinical testing. Allele origin: germline.